The following is an entry in ClinVar:

NM_022785.4(EFCAB6):c.4019_4020del (p.Gln1340fs)

Gene: EFCAB6 (EF-hand calcium binding domain 6; minus strand). Cytogenetic location: 22q13.2.
Variant type: Deletion.
Coding change: c.4019_4020del on transcript NM_022785.4 (MANE Select); coding-DNA positions 4019 to 4020, 2 bases deleted (AG; older notation c.4019_4020delAG).
Protein change: p.Gln1340fs; shifts the reading frame from glutamine 1340.
Molecular consequence: frameshift variant.
Genome position (GRCh38, 1-based): chr22:43,537,405-43,537,406, CT deleted on the plus strand (AG on the coding strand, the reverse complement: EFCAB6 is on the minus strand). VCF-style (leftmost placement, unchanged base first): chr22-43537404-CCT-C. GRCh37 (hg19) VCF-style: chr22-43933284-CCT-C.
Other names: c.3563_3564del, p.Gln1188fs (NM_198856.3); short protein forms Q1188fs, Q1340fs.
Identifiers: ClinVar variation 4880138 (VCV004880138.1).

ClinVar aggregate classification (germline): Pathogenic (1 of 4 stars; one submission).

Conditions:
Primary ciliary dyskinesia. Also called: Ciliary dyskinesia. Identifiers: Orphanet 244, MedGen C0008780, MONDO:0016575, HP:0012265.

Submission:

Department of Human Genetics, Hannover Medical School
Classification: Pathogenic for Primary Ciliary Dyskinesia. Last evaluated: 2026-04-01. Review status: criteria provided, single submitter. Criteria: ACMG Guidelines, 2015. Collection method: research. Allele origin: germline. Affected: no.
Comment: Classification performed by HerediClassify using the following criteria:['PVS1_protein_very_strong: Transcript ENST00000262726 is predicted to undergo NMD.', "PP4_moderate: The PICADAR socre of 8.0 exceeds threshold of 8 achieving 'strong' evidence strength."]